The following is an entry in ClinVar:

ClinVar aggregate classification (germline): Likely benign (1 of 4 stars; one submission).

Submission:

CeGaT Center for Human Genetics Tuebingen
Classification: Likely benign. Last evaluated: 2026-08-01. Review status: criteria provided, single submitter. Criteria: CeGaT Center For Human Genetics Tuebingen Variant Classification Criteria Version 2. Collection method: clinical testing. Allele origin: germline. Affected: yes. Observed: 1 variant allele.
Comment: KRTAP10-4: BP4

NM_198687.2(KRTAP10-4):c.289C>A (p.Leu97Met)

Genes: KRTAP10-4 (keratin associated protein 10-4; plus strand), TSPEAR (thrombospondin type laminin G domain and EAR repeats; minus strand). Cytogenetic location: 21q22.3.
Variant type: single nucleotide variant.
Coding change: c.289C>A on transcript NM_198687.2 (MANE Select); coding-DNA position 289, C replaced by A.
Protein change: p.Leu97Met; replaces leucine 97 with methionine.
Molecular consequence: missense variant. On other transcripts: intron variant (2).
Genome position (GRCh38, 1-based): chr21:44,574,047, C>A. VCF-style: chr21-44574047-C-A. GRCh37 (hg19) VCF-style: chr21-45993924-C-A.
Other names: c.83-6042G>T (NM_144991.3); c.-122-6042G>T (NM_001272037.2); short protein forms L97M.
Identifiers: ClinVar variation 5039128 (VCV005039128.1).